The following is an entry in ClinVar:

NM_000744.7(CHRNA4):c.859G>A (p.Val287Ile)

Gene: CHRNA4 (cholinergic receptor nicotinic alpha 4 subunit; minus strand). Cytogenetic location: 20q13.33.
Variant type: single nucleotide variant.
Coding change: c.859G>A on transcript NM_000744.7 (MANE Select); coding-DNA position 859, G replaced by A.
Protein change: p.Val287Ile; replaces valine 287 with isoleucine.
Molecular consequence: missense variant. On other transcripts: non-coding transcript variant (1).
Genome position (GRCh38, 1-based): chr20:63,350,552, C>T on the plus strand (G>A on the coding strand, the complement: CHRNA4 is on the minus strand). VCF-style: chr20-63350552-C-T. GRCh37 (hg19) VCF-style: chr20-61981904-C-T.
Other names: c.331G>A, p.Val111Ile (NM_001256573.2); short protein forms V111I, V287I.
Identifiers: ClinVar variation 1310260 (VCV001310260.6), dbSNP rs772253190, ClinGen allele CA9957714.

ClinVar aggregate classification (germline): Uncertain significance. Review status: criteria provided, multiple submitters, no conflicts (2 of 4 stars). 2 submissions from 2 submitters: Uncertain significance (2). Last evaluated 2022-05-19.

Conditions:
Familial sleep-related hypermotor epilepsy. Also called: Autosomal Dominant Sleep-Related Hypermotor (Hyperkinetic) Epilepsy. Identifiers: Orphanet 98784, MedGen C3696898, MONDO:0000030.

Allele frequency attached by ClinVar (database versions not stated): gnomAD 0.00001; ExAC 0.00001; gnomAD exomes 0.00001.

Submissions (2):

Labcorp Genetics (formerly Invitae), Labcorp
Classification: Uncertain significance. Last evaluated: 2022-05-19. Review status: criteria provided, single submitter. Criteria: Invitae Variant Classification Sherloc (09022015). Collection method: clinical testing. Allele origin: germline.
Comment: This missense change has been observed in individual(s) with clinical features of CHRNA4-related conditions (PMID: 3089211). ClinVar contains an entry for this variant (Variation ID: 1310260). Algorithms developed to predict the effect of missense changes on protein structure and function are either unavailable or do not agree on the potential impact of this missense change (SIFT: "Deleterious"; PolyPhen-2: "Probably Damaging"; Align-GVGD: "Class C0"). In summary, the available evidence is currently insufficient to determine the role of this variant in disease. Therefore, it has been classified as a Variant of Uncertain Significance. This variant is present in population databases (rs772253190, gnomAD 0.003%). This sequence change replaces valine, which is neutral and non-polar, with isoleucine, which is neutral and non-polar, at codon 287 of the CHRNA4 protein (p.Val287Ile).

GeneDx
Classification: Uncertain significance. Last evaluated: 2019-11-01. Review status: criteria provided, single submitter. Criteria: GeneDx Variant Classification Process June 2021. Collection method: clinical testing. Allele origin: germline. Affected: yes.
Comment: Not observed at a significant frequency in large population cohorts (Lek et al., 2016); In silico analysis, which includes protein predictors and evolutionary conservation, supports that this variant does not alter protein structure/function; Previously reported in an individual with juvenile neuronal ceroid lipofuscinosis who was also homozygous for a pathogenic variant in the CLN3 gene (Sher et al., 2019); This variant is associated with the following publications: (PMID: 30892110)

Literature cited by the submitters: PubMed 3089211 (cited by Labcorp Genetics (formerly Invitae), Labcorp).